The following is an entry in ClinVar:

ClinVar aggregate classification (germline): Pathogenic. Review status: criteria provided, multiple submitters, no conflicts (2 of 4 stars). 6 submissions from 6 submitters: Pathogenic (4). 2 of the submissions do not count toward it. Last evaluated 2025-07-07.

Conditions:
Sjögren-Larsson syndrome (SLS). Also called: FALDH DEFICIENCY; FATTY ALCOHOL:NAD+ OXIDOREDUCTASE DEFICIENCY; FATTY ALDEHYDE DEHYDROGENASE DEFICIENCY; ICHTHYOSIS, SPASTIC NEUROLOGIC DISORDER, AND OLIGOPHRENIA. Identifiers: Orphanet 816, MedGen C0037231, MONDO:0010031, OMIM 270200.

Submissions (6):

Natera, Inc.
Classification: Pathogenic for Sjögren-Larsson syndrome. Last evaluated: 2025-07-07. Review status: criteria provided, single submitter. Criteria: Natera Variant Classification Schema (03/2026). Collection method: clinical testing. Allele origin: germline.
Comment: The c.25_50delCGACAGGCGTTCCTGTCCGGCCGGTC variant in ALDH3A2 is a frameshift variant predicted to shift the reading frame beginning at codon 9 and leads to a stop codon 36 codons downstream. This variant is expected to result in nonsense mediated decay, truncation, or a dysfunctional protein product. This variant is rare in the general population with a frequency below the threshold expected for the associated phenotype(s). This variant has been observed in one or more individuals affected with the associated recessive disease, as either homozygous or compound heterozygous with a second variant (PMID: 29183715). Given the available evidence, this variant is classified as Pathogenic.

Fulgent Genetics
Classification: Pathogenic for Sjögren-Larsson syndrome. Last evaluated: 2024-06-21. Review status: criteria provided, single submitter. Criteria: ACMG Guidelines, 2015. Collection method: clinical testing. Allele origin: germline.

Labcorp Genetics (formerly Invitae), Labcorp
Classification: Pathogenic. Last evaluated: 2023-10-04. Review status: criteria provided, single submitter. Criteria: Invitae Variant Classification Sherloc (09022015). Collection method: clinical testing. Allele origin: germline.
Comment: This sequence change creates a premature translational stop signal (p.Arg9Alafs*36) in the ALDH3A2 gene. It is expected to result in an absent or disrupted protein product. Loss-of-function variants in ALDH3A2 are known to be pathogenic (PMID: 10577908, 10854114). This variant is not present in population databases (gnomAD no frequency). This premature translational stop signal has been observed in individual(s) with Sjögren-Larsson syndrome (PMID: 11408337, 29183715). It has also been observed to segregate with disease in related individuals. This variant is also known as c.21-46del. ClinVar contains an entry for this variant (Variation ID: 371103). For these reasons, this variant has been classified as Pathogenic.

Women's Health and Genetics/Laboratory Corporation of America, LabCorp
Classification: Pathogenic for SjÃ¶gren-Larsson syndrome. Last evaluated: 2019-12-16. Review status: criteria provided, single submitter. Criteria: LabCorp Variant Classification Summary - May 2015. Collection method: clinical testing. Allele origin: germline.
Comment: Variant summary: ALDH3A2 c.25_50del26 (p.Arg9AlafsX36) results in a premature termination codon, predicted to cause a truncation of the encoded protein or absence of the protein due to nonsense mediated decay, which are commonly known mechanisms for disease. Truncations downstream of this position have been classified as pathogenic by our laboratory. The variant was absent in 194754 control chromosomes (gnomAD). c.25_50del26 has been reported in the literature in individuals affected with Sjogren-Larsson Syndrome (Willemsen_2001, Sanders_2008, Kariminejad_2017). These data indicate that the variant may be associated with disease. Sanders_2008 reports this variant has an impact on protein function and results in decreasing activity from patients fibroblast cells. Three ClinVar submitters (evaluation after 2014) cite the variant as pathogenic/likely pathogenic. Based on the evidence outlined above, the variant was classified as pathogenic.

Rizzo Lab, University of Nebraska Medical Center
Classification: Pathogenic for Sjogren-Larsson syndrome. Last evaluated: 2017-06-01. Review status: no assertion criteria provided. Collection method: research. Allele origin: germline. Inheritance: Autosomal recessive inheritance. Affected: yes. Observed: 2 variant alleles. Not counted in ClinVar's aggregate classification.

Counsyl
Classification: Likely pathogenic for Sjögren-Larsson syndrome. Last evaluated: 2016-06-27. Review status: no assertion criteria provided. Collection method: clinical testing. Allele origin: unknown. Not counted in ClinVar's aggregate classification.

Literature cited by the submitters: PubMed 29183715 (cited by 3 submitters); PubMed 10577908 (cited by Labcorp Genetics (formerly Invitae), Labcorp); PubMed 10854114 (cited by Labcorp Genetics (formerly Invitae), Labcorp); PubMed 11408337 (cited by Labcorp Genetics (formerly Invitae), Labcorp and Women's Health and Genetics/Laboratory Corporation of America, LabCorp); PubMed 19124283 (cited by Women's Health and Genetics/Laboratory Corporation of America, LabCorp and Counsyl).

NM_000382.3(ALDH3A2):c.25_50del (p.Arg9fs)

Gene: ALDH3A2 (aldehyde dehydrogenase 3 family member A2; plus strand). Cytogenetic location: 17p11.2.
Variant type: Deletion.
Coding change: c.25_50del on transcript NM_000382.3 (MANE Select); coding-DNA positions 25 to 50, 26 bases deleted (CGACAGGCGTTCCTGTCCGGCCGGTC).
Protein change: p.Arg9fs; shifts the reading frame from arginine 9.
Molecular consequence: frameshift variant. On other transcripts: 5 prime UTR variant (1).
Genome position (GRCh38, 1-based): chr17:19,648,996-19,649,021, CGACAGGCGTTCCTGTCCGGCCGGTC deleted; deleting any 26 consecutive bases within chr17:19,648,992-19,649,021 gives the same sequence; the c. name uses the placement nearest the transcript's 3' end. VCF-style (leftmost placement, unchanged base first): chr17-19648991-GGGTCCGACAGGCGTTCCTGTCCGGCC-G. GRCh37 (hg19) VCF-style: chr17-19552304-GGGTCCGACAGGCGTTCCTGTCCGGCC-G.
Other names: c.25_50delCGACAGGCGTTCCTGTCCGGCCGGTC (NM_000382.2, NM_000382.3); c.-664_-639del (NM_001369148.2); c.25_50del, p.Arg9fs (NM_001031806.2, NM_001369136.1, NM_001369137.2 and 3 more transcripts); short protein forms R9fs.
Identifiers: ClinVar variation 371103 (VCV000371103.13), dbSNP rs767751416, ClinGen allele CA8442701.
Genomic context (GRCh38, chr17:19,648,991, plus strand): 5'-CCAGCGCCCCCGGACCGTGCAGTTCTCTGCAGGACCAGGCCATGGAGCTCGAAGTCCGGC[GGGTCCGACAGGCGTTCCTGTCCGGCC>G]GGTCGCGACCTCTGCGGTTTCGGCTGCAGCAGCTGGAGGCCCTGCGGAGGATGGTGCAGG-3'